The following is an entry in ClinVar:

ClinVar aggregate classification (germline): Uncertain significance (1 of 4 stars; one submission).

Conditions:
Autosomal dominant polycystic kidney disease. Identifiers: Orphanet 730, MedGen C0085413, MONDO:0004691.

Submission:

Labcorp Genetics (formerly Invitae), Labcorp
Classification: Uncertain significance for Autosomal dominant polycystic kidney disease. Last evaluated: 2025-11-25. Review status: criteria provided, single submitter. Criteria: Invitae Variant Classification Sherloc (09022015). Collection method: clinical testing. Allele origin: germline.
Comment: This sequence change replaces glutamic acid, which is acidic and polar, with aspartic acid, which is acidic and polar, at codon 785 of the PKD2 protein (p.Glu785Asp). This variant is not present in population databases (gnomAD no frequency). This variant has not been reported in the literature in individuals affected with PKD2-related conditions. Invitae Evidence Modeling of protein sequence and biophysical properties (such as structural, functional, and spatial information, amino acid conservation, physicochemical variation, residue mobility, and thermodynamic stability) indicates that this missense variant is not expected to disrupt PKD2 protein function with a negative predictive value of 80%. In summary, the available evidence is currently insufficient to determine the role of this variant in disease. Therefore, it has been classified as a Variant of Uncertain Significance.

NM_000297.4(PKD2):c.2355G>C (p.Glu785Asp)

Gene: PKD2 (polycystin 2, transient receptor potential cation channel; plus strand). Cytogenetic location: 4q22.1.
Variant type: single nucleotide variant.
Coding change: c.2355G>C on transcript NM_000297.4 (MANE Select); coding-DNA position 2355, G replaced by C.
Protein change: p.Glu785Asp; replaces glutamic acid 785 with aspartic acid.
Molecular consequence: missense variant. On other transcripts: non-coding transcript variant (1).
Genome position (GRCh38, 1-based): chr4:88,065,876, G>C. VCF-style: chr4-88065876-G-C. GRCh37 (hg19) VCF-style: chr4-88987028-G-C.
Other names: c.2130G>C, p.Glu710Asp (NM_001440544.1); short protein forms E710D, E785D.
Identifiers: ClinVar variation 4750792 (VCV004750792.1).